The following is an entry in ClinVar:

NM_000135.4(FANCA):c.806_807del (p.Val269fs)

Gene: FANCA (FA complementation group A; minus strand). Cytogenetic location: 16q24.3.
Variant type: Deletion.
Coding change: c.806_807del on transcript NM_000135.4 (MANE Select); coding-DNA positions 806 to 807, 2 bases deleted (TA; older notation c.806_807delTA).
Protein change: p.Val269fs; shifts the reading frame from valine 269.
Molecular consequence: frameshift variant.
Genome position (GRCh38, 1-based): chr16:89,799,624-89,799,625, TA deleted on the plus strand (TA on the coding strand, the reverse complement: FANCA is on the minus strand). VCF-style (leftmost placement, unchanged base first): chr16-89799623-GTA-G. GRCh37 (hg19) VCF-style: chr16-89866031-GTA-G.
Other names: c.806_807del, p.Val269fs (NM_001018112.3, NM_001286167.3); c.710_711del, p.Val237fs (NM_001351830.2); short protein forms V237fs, V269fs.
Identifiers: ClinVar variation 2781130 (VCV002781130.3), dbSNP rs2544305641, ClinGen allele CA2635041404.

ClinVar aggregate classification (germline): Pathogenic (1 of 4 stars; one submission).

Conditions:
Fanconi anemia (FA). Also called: Fanconi's anemia. Identifiers: Orphanet 84, MedGen C0015625, MeSH D005199, MONDO:0019391.

Allele frequency attached by ClinVar (database versions not stated): gnomAD exomes below 0.00001.

Submission:

Labcorp Genetics (formerly Invitae), Labcorp
Classification: Pathogenic for Fanconi anemia. Last evaluated: 2024-02-22. Review status: criteria provided, single submitter. Criteria: Invitae Variant Classification Sherloc (09022015). Collection method: clinical testing. Allele origin: germline.
Comment: This sequence change creates a premature translational stop signal (p.Val269Alafs*10) in the FANCA gene. It is expected to result in an absent or disrupted protein product. Loss-of-function variants in FANCA are known to be pathogenic (PMID: 19367192). This variant is not present in population databases (gnomAD no frequency). This variant has not been reported in the literature in individuals affected with FANCA-related conditions. For these reasons, this variant has been classified as Pathogenic.

Literature cited by the submitters: PubMed 19367192.